The following is an entry in ClinVar:

NM_001393769.1(MED12L):c.3176_3181del (p.Asp1059_Ala1060del)

Genes: MED12L (mediator complex subunit 12L; plus strand), P2RY12 (purinergic receptor P2Y12; minus strand). Cytogenetic location: 3q25.1.
Variant type: Deletion.
Coding change: c.3176_3181del on transcript NM_001393769.1 (MANE Select); coding-DNA positions 3176 to 3181, 6 bases deleted (ATGCTG; older notation c.3176_3181delATGCTG).
Protein change: p.Asp1059_Ala1060del.
Molecular consequence: inframe deletion. On other transcripts: intron variant (1).
Genome position (GRCh38, 1-based): chr3:151,365,197-151,365,202, ATGCTG deleted; deleting any 6 consecutive bases within chr3:151,365,196-151,365,202 gives the same sequence; the c. name uses the placement nearest the transcript's 3' end. VCF-style (leftmost placement, unchanged base first): chr3-151365195-GGATGCT-G. GRCh37 (hg19) VCF-style: chr3-151082983-GGATGCT-G.
Other names: c.3071_3076del, p.Asp1024_Ala1025del (NM_053002.6); c.-180+19491_-180+19496del (NM_022788.5).
Identifiers: ClinVar variation 4976241 (VCV004976241.1).

ClinVar aggregate classification (germline): Uncertain significance (1 of 4 stars; one submission).

Submission:

GeneDx
Classification: Uncertain significance. Last evaluated: 2026-02-04. Review status: criteria provided, single submitter. Criteria: GeneDx Variant Classification Process June 2021. Collection method: clinical testing. Allele origin: germline.
Comment: Not observed at significant frequency in large population cohorts (gnomAD); In-frame deletion of 2 amino acids in a non-repeat region; In silico analysis supports a deleterious effect on protein structure/function; Has not been previously published as pathogenic or benign to our knowledge